The following is an entry in ClinVar:

NM_001372.4(DNAH9):c.3442A>G (p.Ile1148Val)

Gene: DNAH9 (dynein axonemal heavy chain 9; plus strand). Cytogenetic location: 17p12.
Variant type: single nucleotide variant.
Coding change: c.3442A>G on transcript NM_001372.4 (MANE Select); coding-DNA position 3442, A replaced by G.
Protein change: p.Ile1148Val; replaces isoleucine 1148 with valine.
Molecular consequence: missense variant.
Genome position (GRCh38, 1-based): chr17:11,679,845, A>G. VCF-style: chr17-11679845-A-G. GRCh37 (hg19) VCF-style: chr17-11583162-A-G.
Other names: short protein forms I1148V.
Identifiers: ClinVar variation 1924195 (VCV001924195.2), dbSNP rs777262335, ClinGen allele CA8395445.

ClinVar aggregate classification (germline): Uncertain significance (1 of 4 stars; one submission).

Allele frequency attached by ClinVar (database versions not stated): gnomAD exomes 0.00001; ExAC 0.00002; gnomAD 0.00003; TOPMed 0.00004.
gnomAD v4.1: 28 of 1,613,998 alleles (0.0017%); highest among the groups gnomAD compares: Non-Finnish European, 0.0021%; no homozygotes.

Submission:

Labcorp Genetics (formerly Invitae), Labcorp
Classification: Uncertain significance. Last evaluated: 2022-04-29. Review status: criteria provided, single submitter. Criteria: Invitae Variant Classification Sherloc (09022015). Collection method: clinical testing. Allele origin: germline.
Comment: This sequence change replaces isoleucine, which is neutral and non-polar, with valine, which is neutral and non-polar, at codon 1148 of the DNAH9 protein (p.Ile1148Val). This variant is present in population databases (rs777262335, gnomAD 0.002%). This variant has not been reported in the literature in individuals affected with DNAH9-related conditions. Algorithms developed to predict the effect of missense changes on protein structure and function output the following: SIFT: "Tolerated"; PolyPhen-2: "Benign"; Align-GVGD: "Class C0". The valine amino acid residue is found in multiple mammalian species, which suggests that this missense change does not adversely affect protein function. In summary, the available evidence is currently insufficient to determine the role of this variant in disease. Therefore, it has been classified as a Variant of Uncertain Significance.